The following is an entry in ClinVar:

NM_000038.6(APC):c.3418C>G (p.Pro1140Ala)

Gene: APC (APC regulator of Wnt signaling pathway; plus strand). Cytogenetic location: 5q22.2.
Variant type: single nucleotide variant.
Coding change: c.3418C>G on transcript NM_000038.6 (MANE Select); coding-DNA position 3418, C replaced by G.
Protein change: p.Pro1140Ala; replaces proline 1140 with alanine.
Molecular consequence: missense variant.
Genome position (GRCh38, 1-based): chr5:112,839,012, C>G. VCF-style: chr5-112839012-C-G. GRCh37 (hg19) VCF-style: chr5-112174709-C-G.
Other names: c.3418C>G, p.Pro1140Ala (NM_001127510.3, NM_001354895.2); c.3364C>G, p.Pro1122Ala (NM_001127511.3); c.3472C>G, p.Pro1158Ala (NM_001354896.2); c.3448C>G, p.Pro1150Ala (NM_001354897.2); c.3343C>G, p.Pro1115Ala (NM_001354898.2); c.3334C>G, p.Pro1112Ala (NM_001354899.2); c.3295C>G, p.Pro1099Ala (NM_001354900.2); c.3241C>G, p.Pro1081Ala (NM_001354901.2); and 5 more; short protein forms P1014A, P1081A, P1115A, P1140A, P980A, P1158A, P857A, P1039A.
Identifiers: ClinVar variation 823751 (VCV000823751.13), dbSNP rs1580635231, ClinGen allele CA16028826.
Genomic context (GRCh38, chr5:112,839,012, plus strand): 5'-GGAATTAATCAAAATGTAAGCCAGTCTTTGTGTCAAGAAGATGACTATGAAGATGATAAG[C>G]CTACCAATTATAGTGAACGTTACTCTGAAGAAGAACAGCATGAAGAAGAAGAGAGACCAA-3'
Protein context (NP_000029.2, residues 1130-1150): CQEDDYEDDK[Pro1140Ala]TNYSERYSEE

ClinVar aggregate classification (germline): Uncertain significance. Review status: criteria provided, multiple submitters, no conflicts (2 of 4 stars). 2 submissions from 2 submitters: Uncertain significance (2). Last evaluated 2025-10-28.

Conditions:
Hereditary cancer-predisposing syndrome. Also called: Neoplastic Syndromes, Hereditary; Tumor predisposition; Hereditary neoplastic syndrome; Hereditary Cancer Syndrome. Identifiers: Orphanet 140162, MedGen C0027672, MeSH D009386, MONDO:0015356.
Familial adenomatous polyposis 1 (FAP1). Also called: POLYPOSIS, ADENOMATOUS INTESTINAL; FAMILIAL ADENOMATOUS POLYPOSIS 1, ATTENUATED. Identifiers: MedGen C2713442, MONDO:0021056, OMIM 175100. Disease mechanism: loss of function.

Allele frequency attached by ClinVar (database versions not stated): gnomAD exomes below 0.00001.
gnomAD v4.1: 1 of 1,613,966 alleles (0.000062%); highest among the groups gnomAD compares: Non-Finnish European, 0.000085%; no homozygotes.

Submissions (2):

Labcorp Genetics (formerly Invitae), Labcorp
Classification: Uncertain significance for Familial adenomatous polyposis 1. Last evaluated: 2025-10-28. Review status: criteria provided, single submitter. Criteria: Invitae Variant Classification Sherloc (09022015). Collection method: clinical testing. Allele origin: germline.
Comment: This sequence change replaces proline, which is neutral and non-polar, with alanine, which is neutral and non-polar, at codon 1140 of the APC protein (p.Pro1140Ala). This variant is not present in population databases (gnomAD no frequency). This variant has not been reported in the literature in individuals affected with APC-related conditions. ClinVar contains an entry for this variant (Variation ID: 823751). Invitae Evidence Modeling of protein sequence and biophysical properties (such as structural, functional, and spatial information, amino acid conservation, physicochemical variation, residue mobility, and thermodynamic stability) indicates that this missense variant is not expected to disrupt APC protein function with a negative predictive value of 95%. In summary, the available evidence is currently insufficient to determine the role of this variant in disease. Therefore, it has been classified as a Variant of Uncertain Significance.

Ambry Genetics
Classification: Uncertain significance for Hereditary cancer-predisposing syndrome. Last evaluated: 2024-05-17. Review status: criteria provided, single submitter. Criteria: Ambry Variant Classification Scheme 2023. Collection method: clinical testing. Allele origin: germline.
Comment: The p.P1140A variant (also known as c.3418C>G), located in coding exon 15 of the APC gene, results from a C to G substitution at nucleotide position 3418. The proline at codon 1140 is replaced by alanine, an amino acid with highly similar properties. This amino acid position is highly conserved in available vertebrate species. In addition, in silico predictors for this gene do not accurately predict pathogenicity. Missense alterations in APC are not a common cause of disease (Spier I et al. Genet Med. 2024 Feb;26(2):100992). Based on the available evidence, the clinical significance of this variant remains unclear.